The following continues an entry in ClinVar:

NM_004004.6(GJB2):c.71G>A (p.Trp24Ter)

Gene: GJB2. ClinVar aggregate classification (germline): Pathogenic. Pathogenic (1).

Submissions 56 to 60 of 60:

OMIM
Classification: Pathogenic for DEAFNESS, AUTOSOMAL RECESSIVE 1A. Last evaluated: 2005-09-01. Review status: no assertion criteria provided. Collection method: literature only. Allele origin: germline. Not counted in ClinVar's aggregate classification.

Clinical Genetics DNA and cytogenetics Diagnostics Lab, Erasmus MC, Erasmus Medical Center
Classification: Pathogenic. Review status: no assertion criteria provided. Collection method: clinical testing. Allele origin: germline. Affected: yes. Study: VKGL Data-share Consensus. Not counted in ClinVar's aggregate classification.

Joint Genome Diagnostic Labs from Nijmegen and Maastricht, Radboudumc and MUMC+
Classification: Pathogenic. Review status: no assertion criteria provided. Collection method: clinical testing. Allele origin: germline. Affected: yes. Study: VKGL Data-share Consensus. Not counted in ClinVar's aggregate classification.

University of Washington Center for Mendelian Genomics, University of Washington
Classification: Likely pathogenic for Hearing impairment. Review status: no assertion criteria provided. Collection method: research. Allele origin: inherited. Affected: yes. Not counted in ClinVar's aggregate classification.

University of Washington Center for Mendelian Genomics, University of Washington
Classification: Likely pathogenic for non-syndromic autosomal recessive hearing loss. Review status: no assertion criteria provided. Collection method: research. Allele origin: inherited. Affected: yes. Not counted in ClinVar's aggregate classification.

Literature cited by the submitters: PubMed 18941476 (cited by 13 submitters); PubMed 15070423 (cited by 10 submitters); PubMed 9139825 (cited by 11 submitters); PubMed 24123366 (cited by 6 submitters); PubMed 12833397 (cited by 6 submitters); PubMed 15146474 (cited by 3 submitters); PubMed 16088916 (cited by 7 submitters); PubMed 24840842 (cited by Labcorp Genetics (formerly Invitae), Labcorp and Athena Diagnostics); PubMed 26059209 (cited by Labcorp Genetics (formerly Invitae), Labcorp); PubMed 24949729 (cited by Natera, Inc.); PubMed 40377830 (cited by Laboratory of Dr. Barbara Vona, University Medical Center Göttingen); PubMed 31827275 (cited by UAEU Genomics Laboratory, United Arab Emirates University); PubMed 30303587 (cited by 3 submitters); PubMed 33614373 (cited by UAEU Genomics Laboratory, United Arab Emirates University); PubMed 19371219 (cited by Myriad Genetics, Inc. and Athena Diagnostics); PubMed 15967879 (cited by Myriad Genetics, Inc.); PubMed 22695344 (cited by Myriad Genetics, Inc. and Athena Diagnostics); PubMed 30094485 (cited by Athena Diagnostics and Lifecell International Pvt. Ltd); PubMed 30989077 (cited by Athena Diagnostics); PubMed 29921236 (cited by Athena Diagnostics); PubMed 22975760 (cited by Athena Diagnostics); PubMed 25636251 (cited by Athena Diagnostics and Illumina Laboratory Services, Illumina); PubMed 20563649 (cited by Athena Diagnostics); PubMed 10508996 (cited by Athena Diagnostics); PubMed 16380907 (cited by Athena Diagnostics and Women's Health and Genetics/Laboratory Corporation of America, LabCorp); PubMed 15617550 (cited by Athena Diagnostics); PubMed 15855033 (cited by Athena Diagnostics); PubMed 12791041 (cited by Athena Diagnostics); PubMed 11698809 (cited by Athena Diagnostics); PubMed 12746422 (cited by 3 submitters); PubMed 18983339 (cited by Athena Diagnostics); PubMed 20086291 (cited by Athena Diagnostics); PubMed 18776652 (cited by Athena Diagnostics); PubMed 11968091 (cited by Athena Diagnostics and Women's Health and Genetics/Laboratory Corporation of America, LabCorp); PubMed 19157576 (cited by Athena Diagnostics); PubMed 16125251 (cited by Athena Diagnostics); PubMed 19465004 (cited by Athena Diagnostics); PubMed 22613756 (cited by Athena Diagnostics); PubMed 19814620 (cited by Athena Diagnostics); PubMed 12176179 (cited by Athena Diagnostics); PubMed 23668481 (cited by Athena Diagnostics); PubMed 19715472 (cited by Athena Diagnostics); PubMed 15479191 (cited by Athena Diagnostics); PubMed 19929408 (cited by Athena Diagnostics); PubMed 18570691 (cited by Athena Diagnostics); PubMed 19929407 (cited by Athena Diagnostics); PubMed 16379542 (cited by Athena Diagnostics); PubMed 23504403 (cited by Athena Diagnostics); PubMed 26188157 (cited by Athena Diagnostics); PubMed 17146393 (cited by Athena Diagnostics); PubMed 24529908 (cited by Athena Diagnostics); PubMed 18294064 (cited by Athena Diagnostics and Division of Human Genetics, Children's Hospital of Philadelphia); PubMed 15113126 (cited by 3 submitters); PubMed 14985372 (cited by Women's Health and Genetics/Laboratory Corporation of America, LabCorp); PubMed 30168495 (cited by Kasturba Medical College, Manipal, Kasturba Medical College, Manipal, Manipal Academy of Higher Education, Manipal, India); PubMed 30872814 (cited by University of Washington Center for Mendelian Genomics, University of Washington).